The following is an entry in ClinVar:

ClinVar aggregate classification (germline): Uncertain significance. Review status: criteria provided, multiple submitters, no conflicts (2 of 4 stars). 3 submissions from 3 submitters: Uncertain significance (3). Last evaluated 2024-05-18.

Conditions:
Sarcotubular myopathy (LGMDR8). Also called: MUSCULAR DYSTROPHY, LIMB-GIRDLE, AUTOSOMAL RECESSIVE 8; Autosomal recessive limb-girdle muscular dystrophy type 2H; Hutterite type of muscular dystrophy; Limb-girdle muscular dystrophy, type 2H. Identifiers: Orphanet 1878, MedGen C0270968, MONDO:0009683, OMIM 254110.
Bardet-Biedl syndrome 11 (BBS11). Identifiers: Orphanet 110, MedGen C1859569, MONDO:0014439, OMIM 615988.
Inborn genetic diseases. Identifiers: MedGen C0950123, MeSH D030342.
Bardet-Biedl syndrome (BBS). Identifiers: Orphanet 110, MedGen C0752166, MONDO:0015229.

Allele frequency attached by ClinVar (database versions not stated): gnomAD exomes below 0.00001; TOPMed below 0.00001; gnomAD 0.00001.
gnomAD v4.1: 2 of 1,614,096 alleles (0.00012%); highest among the groups gnomAD compares: Non-Finnish European, 0.00017%; no homozygotes.

Submissions (3):

Fulgent Genetics
Classification: Uncertain significance for Sarcotubular myopathy; Bardet-Biedl syndrome 11. Last evaluated: 2024-05-18. Review status: criteria provided, single submitter. Criteria: ACMG Guidelines, 2015. Collection method: clinical testing. Allele origin: germline.

Ambry Genetics
Classification: Uncertain significance for Inborn genetic diseases. Last evaluated: 2024-05-14. Review status: criteria provided, single submitter. Criteria: Ambry Variant Classification Scheme 2023. Collection method: clinical testing. Allele origin: germline.

Labcorp Genetics (formerly Invitae), Labcorp
Classification: Uncertain significance for Bardet-Biedl syndrome. Last evaluated: 2022-09-01. Review status: criteria provided, single submitter. Criteria: Invitae Variant Classification Sherloc (09022015). Collection method: clinical testing. Allele origin: germline.
Comment: This sequence change replaces glutamine, which is neutral and polar, with glutamic acid, which is acidic and polar, at codon 46 of the TRIM32 protein (p.Gln46Glu). This variant is not present in population databases (gnomAD no frequency). This variant has not been reported in the literature in individuals affected with TRIM32-related conditions. ClinVar contains an entry for this variant (Variation ID: 1398938). Algorithms developed to predict the effect of missense changes on protein structure and function (SIFT, PolyPhen-2, Align-GVGD) all suggest that this variant is likely to be tolerated. In summary, the available evidence is currently insufficient to determine the role of this variant in disease. Therefore, it has been classified as a Variant of Uncertain Significance.

NM_012210.4(TRIM32):c.136C>G (p.Gln46Glu)

Genes: ASTN2 (astrotactin 2; minus strand), TRIM32 (tripartite motif containing 32; plus strand). Cytogenetic location: 9q33.1.
Variant type: single nucleotide variant.
Coding change: c.136C>G on transcript NM_012210.4 (MANE Select); coding-DNA position 136, C replaced by G.
Protein change: p.Gln46Glu; replaces glutamine 46 with glutamic acid.
Molecular consequence: missense variant. On other transcripts: intron variant (3).
Genome position (GRCh38, 1-based): chr9:116,697,878, C>G. VCF-style: chr9-116697878-C-G. GRCh37 (hg19) VCF-style: chr9-119460157-C-G.
Other names: c.136C>G, p.Gln46Glu (NM_001099679.2, NM_001379048.1, NM_001379049.1 and 1 more transcripts); c.2653+27893G>C (NM_014010.5); c.2794+27893G>C (NM_001365069.1); c.2806+27893G>C (NM_001365068.1); short protein forms Q46E.
Identifiers: ClinVar variation 1398938 (VCV001398938.5), dbSNP rs1193048642, ClinGen allele CA374647634.